The following is an entry in ClinVar:

ClinVar aggregate classification (germline): Uncertain significance (1 of 4 stars; one submission).

gnomAD v4.1: 3 of 1,206,304 alleles (0.00025%); highest among the groups gnomAD compares: South Asian, 0.0018%; no homozygotes.

Submission:

GeneDx
Classification: Uncertain significance. Last evaluated: 2025-10-24. Review status: criteria provided, single submitter. Criteria: GeneDx Variant Classification Process June 2021. Collection method: clinical testing. Allele origin: germline.
Comment: Not observed at significant frequency in large population cohorts (gnomAD); Has not been previously published as pathogenic or benign to our knowledge; In silico analysis suggests that this missense variant does not alter protein structure/function

NM_001282874.2(SMARCA1):c.688A>G (p.Asn230Asp)

Gene: SMARCA1 (SNF2 related chromatin remodeling ATPase 1; minus strand). Cytogenetic location: Xq26.1.
Variant type: single nucleotide variant.
Coding change: c.688A>G on transcript NM_001282874.2 (MANE Select); coding-DNA position 688, A replaced by G.
Protein change: p.Asn230Asp; replaces asparagine 230 with aspartic acid.
Molecular consequence: missense variant.
Genome position (GRCh38, 1-based): chrX:129,511,926, T>C on the plus strand (A>G on the coding strand, the complement: SMARCA1 is on the minus strand). VCF-style: chrX-129511926-T-C. GRCh37 (hg19) VCF-style: chrX-128645903-T-C.
Other names: c.688A>G, p.Asn230Asp (NM_001282875.2, NM_001378261.1, NM_001378262.1 and 3 more transcripts); short protein forms N230D.
Identifiers: ClinVar variation 3899518 (VCV003899518.2).